The following is an entry in ClinVar:

NM_152383.5(DIS3L2):c.1955A>G (p.Lys652Arg)

Gene: DIS3L2 (DIS3 like 3'-5' exoribonuclease 2; plus strand). Cytogenetic location: 2q37.1.
Variant type: single nucleotide variant.
Coding change: c.1955A>G on transcript NM_152383.5 (MANE Select); coding-DNA position 1955, A replaced by G.
Protein change: p.Lys652Arg; replaces lysine 652 with arginine.
Molecular consequence: missense variant. On other transcripts: non-coding transcript variant (2), intron variant (1).
Genome position (GRCh38, 1-based): chr2:232,330,721, A>G. VCF-style: chr2-232330721-A-G. GRCh37 (hg19) VCF-style: chr2-233195431-A-G.
Other names: c.1582-12624A>G (NM_001257281.2); short protein forms K652R.
Identifiers: ClinVar variation 1059507 (VCV001059507.9), dbSNP rs943191449, ClinGen allele CA350976582.

ClinVar aggregate classification (germline): Uncertain significance (1 of 4 stars; one submission).

Conditions:
Perlman syndrome (PRLMNS). Identifiers: Orphanet 2849, MedGen C0796113, MONDO:0009965, OMIM 267000.

Allele frequency attached by ClinVar (database versions not stated): gnomAD exomes below 0.00001.
gnomAD v4.1: 5 of 1,613,910 alleles (0.00031%); highest among the groups gnomAD compares: East Asian, 0.0045%; no homozygotes.

Submission:

Labcorp Genetics (formerly Invitae), Labcorp
Classification: Uncertain significance for Perlman syndrome. Last evaluated: 2023-10-29. Review status: criteria provided, single submitter. Criteria: Invitae Variant Classification Sherloc (09022015). Collection method: clinical testing. Allele origin: germline.
Comment: This sequence change replaces lysine, which is basic and polar, with arginine, which is basic and polar, at codon 652 of the DIS3L2 protein (p.Lys652Arg). This variant is present in population databases (no rsID available, gnomAD 0.006%). This variant has not been reported in the literature in individuals affected with DIS3L2-related conditions. ClinVar contains an entry for this variant (Variation ID: 1059507). Advanced modeling of protein sequence and biophysical properties (such as structural, functional, and spatial information, amino acid conservation, physicochemical variation, residue mobility, and thermodynamic stability) performed at Invitae indicates that this missense variant is not expected to disrupt DIS3L2 protein function with a negative predictive value of 80%. In summary, the available evidence is currently insufficient to determine the role of this variant in disease. Therefore, it has been classified as a Variant of Uncertain Significance.